The following is an entry in ClinVar:

NM_000023.4(SGCA):c.265C>T (p.Leu89Phe)

Gene: SGCA (sarcoglycan alpha; plus strand). Cytogenetic location: 17q21.33.
Variant type: single nucleotide variant.
Coding change: c.265C>T on transcript NM_000023.4 (MANE Select); coding-DNA position 265, C replaced by T.
Protein change: p.Leu89Phe; replaces leucine 89 with phenylalanine.
Molecular consequence: missense variant. On other transcripts: non-coding transcript variant (1).
Genome position (GRCh38, 1-based): chr17:50,167,689, C>T. VCF-style: chr17-50167689-C-T. GRCh37 (hg19) VCF-style: chr17-48245050-C-T.
Other names: NM_000023.4(SGCA):c.265C>T; p.Leu89Phe; c.265C>T, p.Leu89Phe (NM_001135697.3); short protein forms L89F.
Identifiers: ClinVar variation 659203 (VCV000659203.14), dbSNP rs773161308, ClinGen allele CA400177739.

ClinVar aggregate classification (germline): Likely pathogenic. Review status: reviewed by expert panel (3 of 4 stars). 3 submissions from 3 submitters: Likely pathogenic (1). 2 of the submissions do not count toward it. Last evaluated 2026-04-29.

Conditions:
Autosomal recessive limb-girdle muscular dystrophy. Identifiers: Orphanet 102015, MedGen C2931907, MONDO:0015152.
Autosomal recessive limb-girdle muscular dystrophy type 2D (LGMDR3). Also called: DUCHENNE-LIKE AUTOSOMAL RECESSIVE MUSCULAR DYSTROPHY, TYPE 2; ADHALINOPATHY, PRIMARY; MUSCULAR DYSTROPHY, LIMB-GIRDLE, AUTOSOMAL RECESSIVE 3. Identifiers: Orphanet 62, MedGen C2936332, MONDO:0011968, OMIM 608099. Disease mechanism: Affects gamma-sarcoglycan and also disrupts the integrity of the entire sarcoglycan complex..

gnomAD v4.1: 10 of 1,613,600 alleles (0.00062%); highest among the groups gnomAD compares: Non-Finnish European, 0.00085%; no homozygotes.

Submissions (3):

ClinGen Limb Girdle Muscular Dystrophy Variant Curation Expert Panel, ClinGen
Classification: Likely pathogenic for Autosomal recessive limb-girdle muscular dystrophy. Last evaluated: 2026-04-29. Review status: reviewed by expert panel. Criteria: ClinGen LGMD VCEP ACMG Specifications SGCA V2.0.0. Collection method: curation. Allele origin: germline. Inheritance: Autosomal recessive inheritance.
Comment: The NM_000023.4: c.265C>T variant in SGCA is a missense variant predicted to cause substitution of leucine by phenylalanine at amino acid 89, p.(Leu89Phe). This variant has been detected in at least one individual with limb girdle muscular dystrophy, where it was reported in unconfirmed phase with a likely pathogenic variant (c.613C>T p.(Pro205Ser), 0.25 pts, GRASP-LGMD Consortium, Newcastle University internal data communication) (PM3_Supporting not met). This patient displayed progressive limb girdle muscle weakness and significantly reduced alpha-sarcoglycan protein expression, which is highly specific for SGCA-related LGMD (PP4_Strong). The upper bound of the 95% confidence interval of the Grpmax variant allele frequency in gnomAD v4.1.1 is 0.000014 (10/1179660 European (non-Finnish) alleles), which is lower than the LGMD VCEP threshold (<0.00009) for PM2_Supporting, and therefore meets this criterion. An in vitro assay in a heterologous cell system has demonstrated that this variant disrupts membrane localization of the sarcoglycan complex (PS3_Moderate, Washington University internal data). The computational predictor REVEL also gives a score of 0.836, which is above the threshold of 0.7, evidence that correlates with impact to SGCA function (PP3). In summary, this variant meets the criteria to be classified as Likely Pathogenic for autosomal recessive limb-girdle muscular dystrophy based on the ACMG/AMP criteria applied, as specified by the ClinGen LGMD VCEP (specification guidelines for SGCA version v2.0.0; 04/29/2026): PP4_Strong, PS3_Moderate, PM2_Supporting, PP3.

Women's Health and Genetics/Laboratory Corporation of America, LabCorp
Classification: Uncertain significance. Last evaluated: 2025-07-11. Review status: criteria provided, single submitter. Criteria: LabCorp Variant Classification Summary - May 2015. Collection method: clinical testing. Allele origin: germline. Not counted in ClinVar's aggregate classification.
Comment: Variant summary: SGCA c.265C>T (p.Leu89Phe) results in a non-conservative amino acid change located in the Dystroglycan-type cadherin-like domain (IPR006644) of the encoded protein sequence. Algorithms developed to predict the effect of missense changes on protein structure and function all suggest that this variant is likely to be disruptive. The variant was absent in 249344 control chromosomes. c.265C>T has been reported in the literature in individuals affected with Limb-Girdle Muscular Dystrophy, Autosomal Recessive (Klinge_2008, Labcorp Genetics (formerly Invitae). These data indicate that the variant may be associated with disease. To our knowledge, no experimental evidence demonstrating an impact on protein function has been reported. The following publications have been ascertained in the context of this evaluation (PMID: 9266733, 18996010). ClinVar contains an entry for this variant (Variation ID: 659203). Based on the evidence outlined above, the variant was classified as VUS-possibly pathogenic.

Labcorp Genetics (formerly Invitae), Labcorp
Classification: Pathogenic for Autosomal recessive limb-girdle muscular dystrophy type 2D. Last evaluated: 2022-11-01. Review status: criteria provided, single submitter. Criteria: Invitae Variant Classification Sherloc (09022015). Collection method: clinical testing. Allele origin: germline. Not counted in ClinVar's aggregate classification.
Comment: For these reasons, this variant has been classified as Pathogenic. This variant disrupts the p.Leu89 amino acid residue in SGCA. Other variant(s) that disrupt this residue have been observed in individuals with SGCA-related conditions (PMID: 9266733), which suggests that this may be a clinically significant amino acid residue. Advanced modeling of protein sequence and biophysical properties (such as structural, functional, and spatial information, amino acid conservation, physicochemical variation, residue mobility, and thermodynamic stability) performed at Invitae indicates that this missense variant is expected to disrupt SGCA protein function. ClinVar contains an entry for this variant (Variation ID: 659203). This missense change has been observed in individual(s) with limb-girdle muscular dystrophy (PMID: 18996010; Invitae). In at least one individual the data is consistent with being in trans (on the opposite chromosome) from a pathogenic variant. This variant is not present in population databases (gnomAD no frequency). This sequence change replaces leucine, which is neutral and non-polar, with phenylalanine, which is neutral and non-polar, at codon 89 of the SGCA protein (p.Leu89Phe).

Literature cited by the submitters: PubMed 9266733 (cited by Women's Health and Genetics/Laboratory Corporation of America, LabCorp and Labcorp Genetics (formerly Invitae), Labcorp); PubMed 18996010 (cited by Women's Health and Genetics/Laboratory Corporation of America, LabCorp and Labcorp Genetics (formerly Invitae), Labcorp).